The following is an entry in ClinVar:

NM_003839.4(TNFRSF11A):c.421C>T (p.His141Tyr)

Gene: TNFRSF11A (TNF receptor superfamily member 11a; plus strand). Cytogenetic location: 18q21.33.
Variant type: single nucleotide variant.
Coding change: c.421C>T on transcript NM_003839.4 (MANE Select); coding-DNA position 421, C replaced by T.
Protein change: p.His141Tyr; replaces histidine 141 with tyrosine.
Molecular consequence: missense variant.
Genome position (GRCh38, 1-based): chr18:62,354,528, C>T. VCF-style: chr18-62354528-C-T. GRCh37 (hg19) VCF-style: chr18-60021761-C-T.
Other names: c.421C>T, p.His141Tyr (NM_001270949.2, NM_001270950.2, NM_001270951.2 and 1 more transcripts); short protein forms H141Y.
Identifiers: ClinVar variation 327729 (VCV000327729.22), dbSNP rs35211496, ClinGen allele CA8983721.

ClinVar aggregate classification (germline): Benign/Likely benign. Review status: criteria provided, multiple submitters, no conflicts (2 of 4 stars). 5 submissions from 5 submitters: Benign (4); Likely benign (1). Last evaluated 2026-02-04.

Conditions:
Disorder of bone. Also called: Bone disease; Bone disorder; Rare bone disease related to a common gene or pathway defect. Identifiers: Orphanet 364803, MedGen C0005940, MONDO:0005381.

Allele frequency attached by ClinVar (database versions not stated): 1000 Genomes Project 0.05731; 1000 Genomes Project 30x 0.05903; TOPMed 0.11915; gnomAD 0.11935 and 0.12362; gnomAD exomes 0.11991 and 0.16657; ExAC 0.12108; ESP Exome Variant Server 0.13003.

Submissions (5):

Labcorp Genetics (formerly Invitae), Labcorp
Classification: Benign. Last evaluated: 2026-02-04. Review status: criteria provided, single submitter. Criteria: Invitae Variant Classification Sherloc (09022015). Collection method: clinical testing. Allele origin: germline.

Mayo Clinic Laboratories, Mayo Clinic
Classification: Benign. Last evaluated: 2025-09-15. Review status: criteria provided, single submitter. Criteria: ACMG Guidelines, 2015. Collection method: clinical testing. Allele origin: germline. Observed: 15 variant alleles.
Comment: BA1, BP4

Genome Diagnostics Laboratory, The Hospital for Sick Children
Classification: Benign for Disorder of bone. Last evaluated: 2016-08-24. Review status: criteria provided, single submitter. Criteria: ACMG Guidelines, 2015. Collection method: clinical testing. Allele origin: germline. Affected: yes.
Comment: This missense variant is classified as Benign (ACMG criteria - BA1)

Laboratory for Molecular Medicine, Mass General Brigham Personalized Medicine
Classification: Benign. Last evaluated: 2016-03-28. Review status: criteria provided, single submitter. Criteria: LMM Criteria. Collection method: clinical testing. Allele origin: germline.
Comment: Variant identified in a genome or exome case(s) and assessed due to predicted null impact of the variant or pathogenic assertions in the literature or databases. Disclaimer: This variant has not undergone full assessment. The following are preliminary notes: Frequency

Breakthrough Genomics
Classification: Likely benign. Review status: criteria provided, single submitter. Criteria: ACMG Guidelines, 2015. Collection method: not provided. Allele origin: germline. Inheritance: Autosomal recessive inheritance. Affected: yes.